The following is an entry in ClinVar:

ClinVar aggregate classification (germline): Uncertain significance. Review status: criteria provided, multiple submitters, no conflicts (2 of 4 stars). 2 submissions from 2 submitters: Uncertain significance (2). Last evaluated 2024-04-04.

Submissions (2):

Greenwood Genetic Center Diagnostic Laboratories, Greenwood Genetic Center
Classification: Uncertain significance. Last evaluated: 2024-04-04. Review status: criteria provided, single submitter. Criteria: ACMG Guidelines, 2015. Collection method: clinical testing. Allele origin: germline. Affected: yes.
Comment: PM2

Labcorp Genetics (formerly Invitae), Labcorp
Classification: Uncertain significance. Last evaluated: 2022-06-23. Review status: criteria provided, single submitter. Criteria: Invitae Variant Classification Sherloc (09022015). Collection method: clinical testing. Allele origin: germline.
Comment: In summary, the available evidence is currently insufficient to determine the role of this variant in disease. Therefore, it has been classified as a Variant of Uncertain Significance. Algorithms developed to predict the effect of missense changes on protein structure and function (SIFT, PolyPhen-2, Align-GVGD) all suggest that this variant is likely to be tolerated. This variant has not been reported in the literature in individuals affected with TCF20-related conditions. This variant is not present in population databases (gnomAD no frequency). This sequence change replaces asparagine, which is neutral and polar, with aspartic acid, which is acidic and polar, at codon 276 of the TCF20 protein (p.Asn276Asp).

NM_001378418.1(TCF20):c.826A>G (p.Asn276Asp)

Gene: TCF20 (transcription factor 20; minus strand). Cytogenetic location: 22q13.2.
Variant type: single nucleotide variant.
Coding change: c.826A>G on transcript NM_001378418.1 (MANE Select); coding-DNA position 826, A replaced by G.
Protein change: p.Asn276Asp; replaces asparagine 276 with aspartic acid.
Molecular consequence: missense variant.
Genome position (GRCh38, 1-based): chr22:42,214,480, T>C on the plus strand (A>G on the coding strand, the complement: TCF20 is on the minus strand). VCF-style: chr22-42214480-T-C. GRCh37 (hg19) VCF-style: chr22-42610486-T-C.
Other names: c.826A>G, p.Asn276Asp (NM_005650.4, NM_181492.3); c.826A>G (NM_005650.3); short protein forms N276D.
Identifiers: ClinVar variation 2008384 (VCV002008384.5), dbSNP rs2518241997, ClinGen allele CA411792160.
Genomic context (GRCh38, chr22:42,214,480, plus strand): 5'-ATTGAGGCTGATAGCTGTAATTGGATTGTGTTCCATAAGCCTGTGCATTAGAACCCACAT[T>C]GTGTCCTTCATACTGAGATCCAGCATTCACATTGTAACTGCCATCATAGCTCTGTCCAGA-3'
Protein context (NP_001365347.1, residues 266-286): VNAGSQYEGH[Asn276Asp]VGSNAQAYGT